The following is an entry in ClinVar:

ClinVar aggregate classification (germline): Likely benign (1 of 4 stars; one submission).

Allele frequency attached by ClinVar (database versions not stated): ExAC 0.00002.

Submission:

GeneDx
Classification: Likely benign. Last evaluated: 2015-09-02. Review status: criteria provided, single submitter. Criteria: GeneDx Variant Classification (06012015). Collection method: clinical testing. Allele origin: germline. Affected: yes.
Comment: This variant is considered likely benign or benign based on one or more of the following criteria: it is a conservative change, it occurs at a poorly conserved position in the protein, it is predicted to be benign by multiple in silico algorithms, and/or has population frequency not consistent with disease.

NM_017882.3(CLN6):c.89G>C (p.Gly30Ala)

Gene: CLN6 (CLN6 transmembrane ER protein; minus strand). Cytogenetic location: 15q23.
Variant type: single nucleotide variant.
Coding change: c.89G>C on transcript NM_017882.3 (MANE Select); coding-DNA position 89, G replaced by C.
Protein change: p.Gly30Ala; replaces glycine 30 with alanine.
Molecular consequence: missense variant.
Genome position (GRCh38, 1-based): chr15:68,218,645, C>G on the plus strand (G>C on the coding strand, the complement: CLN6 is on the minus strand). VCF-style: chr15-68218645-C-G. GRCh37 (hg19) VCF-style: chr15-68510983-C-G.
Other names: short protein forms G30A.
Identifiers: ClinVar variation 380424 (VCV000380424.1), dbSNP rs753497587, ClinGen allele CA7630716.